The following is an entry in ClinVar:

ClinVar aggregate classification (germline): Conflicting classifications of pathogenicity. Review status: criteria provided, conflicting classifications (1 of 4 stars). 6 submissions from 6 submitters: Uncertain significance (3); Likely benign (2). 1 of the submissions does not count toward it. Last evaluated 2026-01-28.

Conditions:
Inborn genetic diseases. Identifiers: MedGen C0950123, MeSH D030342.
Congenital lactic acidosis, Saguenay-Lac-Saint-Jean type (MC4DN5). Also called: CYTOCHROME c OXIDASE DEFICIENCY, FRENCH CANADIAN TYPE; COX DEFICIENCY, FRENCH CANADIAN TYPE; MITOCHONDRIAL COMPLEX IV DEFICIENCY, NUCLEAR TYPE 5. Identifiers: Orphanet 70472, MedGen C1857355, MONDO:0009069, OMIM 220111.

Allele frequency attached by ClinVar (database versions not stated): gnomAD exomes 0.00039; 1000 Genomes Project 0.00040; ExAC 0.00044; 1000 Genomes Project 30x 0.00047; gnomAD 0.00082 and 0.00091; ESP Exome Variant Server 0.00085; TOPMed 0.00102.
gnomAD v4.1: 309 of 1,613,978 alleles (0.019%); highest among the groups gnomAD compares: African/African-American, 0.26%; no homozygotes.

Submissions (6):

Labcorp Genetics (formerly Invitae), Labcorp
Classification: Likely benign. Last evaluated: 2026-01-28. Review status: criteria provided, single submitter. Criteria: Invitae Variant Classification Sherloc (09022015). Collection method: clinical testing. Allele origin: germline.

GeneDx
Classification: Uncertain significance. Last evaluated: 2025-05-09. Review status: criteria provided, single submitter. Criteria: GeneDx Variant Classification Process June 2021. Collection method: clinical testing. Allele origin: germline. Affected: yes.
Comment: In silico analysis supports that this missense variant has a deleterious effect on protein structure/function; Has not been previously published as pathogenic or benign to our knowledge

Ambry Genetics
Classification: Likely benign for Inborn genetic diseases. Last evaluated: 2021-08-12. Review status: criteria provided, single submitter. Criteria: Ambry Variant Classification Scheme 2023. Collection method: clinical testing. Allele origin: germline.

New York Genome Center
Classification: Uncertain significance for Congenital lactic acidosis, Saguenay-Lac-Saint-Jean type. Last evaluated: 2020-03-10. Review status: criteria provided, single submitter. Criteria: NYGC Assertion Criteria 2020. Collection method: clinical testing. Allele origin: germline. Observed: 1 heterozygote. Study: CSER-NYCKidSeq.

Baylor Genetics
Classification: Uncertain significance for Congenital lactic acidosis, Saguenay-Lac-Saint-Jean type. Last evaluated: 2018-04-02. Review status: criteria provided, single submitter. Criteria: ACMG Guidelines, 2015. Collection method: clinical testing. Allele origin: unknown. Affected: yes.
Comment: This variant was determined to be of uncertain significance according to ACMG Guidelines, 2015 [PMID:25741868].

Natera, Inc.
Classification: Uncertain significance for French-Canadian type Leigh syndrome. Last evaluated: 2020-01-24. Review status: no assertion criteria provided. Collection method: clinical testing. Allele origin: germline. Not counted in ClinVar's aggregate classification.

NM_133259.4(LRPPRC):c.1295A>G (p.Glu432Gly)

Gene: LRPPRC (leucine rich pentatricopeptide repeat containing; minus strand). Cytogenetic location: 2p21.
Variant type: single nucleotide variant.
Coding change: c.1295A>G on transcript NM_133259.4 (MANE Select); coding-DNA position 1295, A replaced by G.
Protein change: p.Glu432Gly; replaces glutamic acid 432 with glycine.
Molecular consequence: missense variant.
Genome position (GRCh38, 1-based): chr2:43,973,681, T>C on the plus strand (A>G on the coding strand, the complement: LRPPRC is on the minus strand). VCF-style: chr2-43973681-T-C. GRCh37 (hg19) VCF-style: chr2-44200820-T-C.
Other names: p.E432G:GAG>GGG; short protein forms E432G.
Identifiers: ClinVar variation 214605 (VCV000214605.21), dbSNP rs144732922, ClinGen allele CA324002.